The following is an entry in ClinVar:

NC_000009.11:g.(?_135810420)_(135810482_?)del

Gene: TSC1 (TSC complex subunit 1; minus strand). Cytogenetic location: 9q34.13.
Variant type: Deletion.
Identifiers: ClinVar variation 3245180 (VCV003245180.1).

ClinVar aggregate classification (germline): Uncertain significance (1 of 4 stars; one submission).

Conditions:
Tuberous sclerosis 1 (TSC1). Identifiers: Orphanet 805, MedGen C1854465, MONDO:0008612, OMIM 191100.

Submission:

Labcorp Genetics (formerly Invitae), Labcorp
Classification: Uncertain significance for Tuberous sclerosis 1. Last evaluated: 2022-12-24. Review status: criteria provided, single submitter. Criteria: Invitae Variant Classification Sherloc (09022015). Collection method: clinical testing. Allele origin: unknown.
Comment: In summary, the available evidence is currently insufficient to determine the role of this variant in disease. Therefore, it has been classified as a Variant of Uncertain Significance. Experimental studies and prediction algorithms are not available or were not evaluated, and the functional significance of this variant is currently unknown. This variant has not been reported in the literature in individuals affected with TSC1-related conditions. This variant is a gross deletion that occurs in a non-coding region of the TSC1 gene. It does not change the encoded amino acid sequence of the TSC1 protein.